The following is an entry in ClinVar:

ClinVar aggregate classification (germline): Uncertain significance (1 of 4 stars; one submission).

Conditions:
Epidermolysis bullosa simplex 3, localized or generalized intermediate, with BP230 deficiency (EBS3). Also called: Epidermolysis bullosa simplex, autosomal recessive 2; Epidermolysis bullosa simplex due to BP230 deficiency. Identifiers: Orphanet 412181, MedGen C3809470, MONDO:0014180, OMIM 615425.
Hereditary sensory and autonomic neuropathy type 6. Also called: HSAN VI; Neuropathy, hereditary sensory and autonomic, type VI. Identifiers: Orphanet 314381, MedGen C3539003, MONDO:0013839, OMIM 614653.

Submission:

Labcorp Genetics (formerly Invitae), Labcorp
Classification: Uncertain significance for Epidermolysis bullosa simplex 3, localized or generalized intermediate, with BP230 deficiency; Hereditary sensory and autonomic neuropathy type 6. Last evaluated: 2026-01-06. Review status: criteria provided, single submitter. Criteria: Invitae Variant Classification Sherloc (09022015). Collection method: clinical testing. Allele origin: germline.
Comment: This sequence change creates a premature translational stop signal (p.Leu2463*) in the DST gene. While this is not anticipated to result in nonsense mediated decay, it is expected to disrupt the last 187 amino acid(s) of the DST protein. This variant is not present in population databases (gnomAD no frequency). This variant has not been reported in the literature in individuals affected with DST-related conditions. Experimental studies and prediction algorithms are not available or were not evaluated, and the functional significance of this variant is currently unknown. In summary, the available evidence is currently insufficient to determine the role of this variant in disease. Therefore, it has been classified as a Variant of Uncertain Significance.

NM_001723.7(DST):c.7387del (p.Val2462_Leu2463insTer)

Gene: DST (dystonin; minus strand). Cytogenetic location: 6p12.1.
Variant type: Deletion.
Coding change: c.7387del on transcript NM_001723.7 (MANE Plus Clinical); coding-DNA position 7387, one base deleted (C; older notation c.7387delC).
Protein change: p.Val2462_Leu2463insTer.
Molecular consequence: nonsense. On other transcripts: intron variant (10).
Genome position (GRCh38, 1-based): chr6:56,616,080, G deleted on the plus strand (C on the coding strand, the reverse complement: DST is on the minus strand). VCF-style (leftmost placement, unchanged base first): chr6-56616079-AG-A. GRCh37 (hg19) VCF-style: chr6-56480877-AG-A.
Other names: c.4831-1596del (NM_001144769.5); c.4930-1596del (NM_001374722.1, NM_001374736.1); c.4957-1596del (NM_001374734.1); c.4417-1596del (NM_001144770.2); c.4297-1596del (NM_001374730.1, NM_001386100.1, NM_183380.4 and 1 more transcripts); c.3319-1596del (NM_015548.5).
Identifiers: ClinVar variation 4790318 (VCV004790318.1).